The following is an entry in ClinVar:

NM_001845.6(COL4A1):c.2024C>T (p.Pro675Leu)

Gene: COL4A1 (collagen type IV alpha 1 chain; minus strand). Cytogenetic location: 13q34.
Variant type: single nucleotide variant.
Coding change: c.2024C>T on transcript NM_001845.6 (MANE Select); coding-DNA position 2024, C replaced by T.
Protein change: p.Pro675Leu; replaces proline 675 with leucine.
Molecular consequence: missense variant.
Genome position (GRCh38, 1-based): chr13:110,183,064, G>A on the plus strand (C>T on the coding strand, the complement: COL4A1 is on the minus strand). VCF-style: chr13-110183064-G-A. GRCh37 (hg19) VCF-style: chr13-110835411-G-A.
Other names: short protein forms P675L.
Identifiers: ClinVar variation 2865747 (VCV002865747.3), dbSNP rs1453576600, ClinGen allele CA388722235.

ClinVar aggregate classification (germline): Uncertain significance (1 of 4 stars; one submission).

Submission:

Labcorp Genetics (formerly Invitae), Labcorp
Classification: Uncertain significance. Last evaluated: 2023-05-19. Review status: criteria provided, single submitter. Criteria: Invitae Variant Classification Sherloc (09022015). Collection method: clinical testing. Allele origin: germline.
Comment: This variant has not been reported in the literature in individuals affected with COL4A1-related conditions. This sequence change replaces proline, which is neutral and non-polar, with leucine, which is neutral and non-polar, at codon 675 of the COL4A1 protein (p.Pro675Leu). This variant is not present in population databases (gnomAD no frequency). An algorithm developed to predict the effect of missense changes on protein structure and function (PolyPhen-2) suggests that this variant is likely to be disruptive. In summary, the available evidence is currently insufficient to determine the role of this variant in disease. Therefore, it has been classified as a Variant of Uncertain Significance.